The following is an entry in ClinVar:

NM_015178.3(RHOBTB2):c.1824C>T (p.Ile608=)

Gene: RHOBTB2 (Rho related BTB domain containing 2; plus strand). Cytogenetic location: 8p21.3.
Variant type: single nucleotide variant.
Coding change: c.1824C>T on transcript NM_015178.3 (MANE Select); coding-DNA position 1824, C replaced by T.
Protein change: p.Ile608=; no amino-acid change (isoleucine 608 retained).
Molecular consequence: synonymous variant.
Genome position (GRCh38, 1-based): chr8:23,014,742, C>T. VCF-style: chr8-23014742-C-T. GRCh37 (hg19) VCF-style: chr8-22872255-C-T.
Other names: c.1890C>T, p.Ile630= (NM_001160036.2); c.1845C>T, p.Ile615= (NM_001160037.2); c.1824C>T, p.Ile608= (NM_001374791.1).
Identifiers: ClinVar variation 1551656 (VCV001551656.33), dbSNP rs756100847, ClinGen allele CA4672786.

ClinVar aggregate classification (germline): Likely benign. Review status: criteria provided, multiple submitters, no conflicts (2 of 4 stars). 3 submissions from 3 submitters: Likely benign (3). Last evaluated 2026-01-21.

Allele frequency attached by ClinVar (database versions not stated): ExAC 0.00024; gnomAD exomes 0.00025; TOPMed 0.00026; gnomAD 0.00032 and 0.00033.
gnomAD v4.1: 373 of 1,613,998 alleles (0.023%); highest among the groups gnomAD compares: Non-Finnish European, 0.029%; 2 homozygotes.

Submissions (3):

Labcorp Genetics (formerly Invitae), Labcorp
Classification: Likely benign. Last evaluated: 2026-01-21. Review status: criteria provided, single submitter. Criteria: Invitae Variant Classification Sherloc (09022015). Collection method: clinical testing. Allele origin: germline.

Blueprint Genetics
Classification: Likely benign. Last evaluated: 2024-10-10. Review status: criteria provided, single submitter. Criteria: ACMG Guidelines, 2015. Collection method: clinical testing. Allele origin: germline.

CeGaT Center for Human Genetics Tuebingen
Classification: Likely benign. Last evaluated: 2024-05-01. Review status: criteria provided, single submitter. Criteria: CeGaT Center For Human Genetics Tuebingen Variant Classification Criteria Version 2. Collection method: clinical testing. Allele origin: germline. Affected: yes. Observed: 5 variant alleles.
Comment: RHOBTB2: BP4, BP7